The following is an entry in ClinVar:

NM_004525.3(LRP2):c.1279G>A (p.Val427Met)

Gene: LRP2 (LDL receptor related protein 2; minus strand). Cytogenetic location: 2q31.1.
Variant type: single nucleotide variant.
Coding change: c.1279G>A on transcript NM_004525.3 (MANE Select); coding-DNA position 1279, G replaced by A.
Protein change: p.Val427Met; replaces valine 427 with methionine.
Molecular consequence: missense variant.
Genome position (GRCh38, 1-based): chr2:169,280,412, C>T on the plus strand (G>A on the coding strand, the complement: LRP2 is on the minus strand). VCF-style: chr2-169280412-C-T. GRCh37 (hg19) VCF-style: chr2-170136922-C-T.
Other names: c.1279G>A (NM_004525.2); short protein forms V427M.
Identifiers: ClinVar variation 1377517 (VCV001377517.6), dbSNP rs140051628, ClinGen allele CA1955608.

ClinVar aggregate classification (germline): Uncertain significance. Review status: criteria provided, multiple submitters, no conflicts (2 of 4 stars). 3 submissions from 3 submitters: Uncertain significance (2). 1 of the submissions does not count toward it. Last evaluated 2023-12-15.

Conditions:
LRP2-related disorder. Also called: LRP2-related condition.

Allele frequency attached by ClinVar (database versions not stated): gnomAD 0.00002 and 0.00003; gnomAD exomes 0.00004; TOPMed 0.00004; ExAC 0.00006; ESP Exome Variant Server 0.00008; 1000 Genomes Project 30x 0.00016; 1000 Genomes Project 0.00020.
gnomAD v4.1: 68 of 1,614,190 alleles (0.0042%); highest among the groups gnomAD compares: Admixed American, 0.012%; no homozygotes.

Submissions (3):

Blueprint Genetics
Classification: Uncertain significance. Last evaluated: 2023-12-15. Review status: criteria provided, single submitter. Criteria: ACMG Guidelines, 2015. Collection method: clinical testing. Allele origin: germline.

Labcorp Genetics (formerly Invitae), Labcorp
Classification: Uncertain significance. Last evaluated: 2022-08-19. Review status: criteria provided, single submitter. Criteria: Invitae Variant Classification Sherloc (09022015). Collection method: clinical testing. Allele origin: germline.
Comment: This sequence change replaces valine, which is neutral and non-polar, with methionine, which is neutral and non-polar, at codon 427 of the LRP2 protein (p.Val427Met). This variant is present in population databases (rs140051628, gnomAD 0.01%). This variant has not been reported in the literature in individuals affected with LRP2-related conditions. ClinVar contains an entry for this variant (Variation ID: 1377517). Advanced modeling of protein sequence and biophysical properties (such as structural, functional, and spatial information, amino acid conservation, physicochemical variation, residue mobility, and thermodynamic stability) performed at Invitae indicates that this missense variant is not expected to disrupt LRP2 protein function. In summary, the available evidence is currently insufficient to determine the role of this variant in disease. Therefore, it has been classified as a Variant of Uncertain Significance.

PreventionGenetics, part of Exact Sciences
Classification: Uncertain significance for LRP2-related condition. Last evaluated: 2024-02-06. Review status: no assertion criteria provided. Collection method: clinical testing. Allele origin: germline. Not counted in ClinVar's aggregate classification.
Comment: The LRP2 c.1279G>A variant is predicted to result in the amino acid substitution p.Val427Met. To our knowledge, this variant has not been reported in the literature. This variant is reported in 0.014% of alleles in individuals of Latino descent in gnomAD. At this time, the clinical significance of this variant is uncertain due to the absence of conclusive functional and genetic evidence.